The following is an entry in ClinVar:

NM_024422.6(DSC2):c.1376C>T (p.Thr459Ile)

Gene: DSC2 (desmocollin 2; minus strand). Cytogenetic location: 18q12.1.
Variant type: single nucleotide variant.
Coding change: c.1376C>T on transcript NM_024422.6 (MANE Select); coding-DNA position 1376, C replaced by T.
Protein change: p.Thr459Ile; replaces threonine 459 with isoleucine.
Molecular consequence: missense variant.
Genome position (GRCh38, 1-based): chr18:31,080,240, G>A on the plus strand (C>T on the coding strand, the complement: DSC2 is on the minus strand). VCF-style: chr18-31080240-G-A. GRCh37 (hg19) VCF-style: chr18-28660206-G-A.
Other names: c.947C>T, p.Thr316Ile (NM_001406506.1, NM_001406507.1); c.1376C>T, p.Thr459Ile (NM_004949.5); short protein forms T316I, T459I.
Identifiers: ClinVar variation 3074949 (VCV003074949.1), dbSNP rs2510947060, ClinGen allele CA402108634.

ClinVar aggregate classification (germline): Uncertain significance (1 of 4 stars; one submission).

Conditions:
Familial isolated arrhythmogenic right ventricular dysplasia. Identifiers: Orphanet 217656, MedGen C4274968, MONDO:0016342.

Submission:

All of Us Research Program, National Institutes of Health
Classification: Uncertain significance for Familial isolated arrhythmogenic right ventricular dysplasia. Last evaluated: 2024-01-11. Review status: criteria provided, single submitter. Criteria: ACMG Guidelines, 2015. Collection method: clinical testing. Allele origin: germline. Inheritance: Autosomal dominant inheritance. Observed: 1 variant allele, 1 heterozygote.
Comment: This study involves interpretation of variants in research participants for the purpose of population health screening. Participant phenotype was not available at the time of variant classification. Additional details can be found in publication PMID: 35346344, PMCID: PMC8962531